The following is an entry in ClinVar:

ClinVar aggregate classification (germline): Conflicting classifications of pathogenicity. Review status: criteria provided, conflicting classifications (1 of 4 stars). 37 submissions from 37 submitters: Uncertain significance (8); Benign (4); Likely benign (17). 8 of the submissions do not count toward it. Last evaluated 2026-07-01.

Conditions:
ATM-related disorder. Also called: ATM-related disorders; ATM-related condition.
ATM-related cancer predisposition. Also called: ATM-related cancer susceptibility. Identifiers: MedGen CN377759, MONDO:0700270.
Breast and/or ovarian cancer. Identifiers: MedGen CN221562.
Hereditary cancer-predisposing syndrome. Also called: Neoplastic Syndromes, Hereditary; Hereditary Cancer Syndrome; Tumor predisposition; Hereditary neoplastic syndrome. Identifiers: Orphanet 140162, MedGen C0027672, MeSH D009386, MONDO:0015356.
Hereditary breast ovarian cancer syndrome. Also called: Hereditary breast and ovarian cancer syndrome; Breast and ovarian cancer; BRCA1- and BRCA2-Associated Hereditary Breast and Ovarian Cancer; Hereditary breast and ovarian cancer; Hereditary breast and ovarian cancer syndrome (HBOC); Hereditary breast and/or ovarian cancer syndrome. Identifiers: Orphanet 145, MedGen C0677776, MeSH D061325, MONDO:0003582. Disease mechanism: loss of function.
Familial cancer of breast. Also called: hereditary breast carcinoma; BREAST CANCER, FAMILIAL; Hereditary breast cancer. Identifiers: Orphanet 227535, MedGen C0346153, MONDO:0016419, OMIM 114480. Disease mechanism: loss of function.
Ataxia-telangiectasia syndrome (AT). Also called: LOUIS-BAR SYNDROME; Cerebello-oculocutaneous telangiectasia; Immunodeficiency with ataxia telangiectasia; Ataxia-telangiectasia, complementation group E; Ataxia telangiectasia (A-T); Ataxia-telangiectasia, complementation group D. Identifiers: Orphanet 100, MedGen C0004135, MONDO:0008840, OMIM 208900.
Malignant tumor of breast. Also called: Malignant breast neoplasm; Cancer breast. Identifiers: MedGen C0006142, MONDO:0007254. Disease mechanism: loss of function.

Allele frequency attached by ClinVar (database versions not stated): 1000 Genomes Project 30x 0.00016; 1000 Genomes Project 0.00020; TOPMed 0.00036; gnomAD exomes 0.00039 and 0.00041; gnomAD 0.00043 and 0.00046; ESP Exome Variant Server 0.00046; ExAC 0.00049.
gnomAD v4.1: 631 of 1,612,060 alleles (0.039%); highest among the groups gnomAD compares: Admixed American, 0.05%; no homozygotes.

Submissions 1 to 17 of 37:

CeGaT Center for Human Genetics Tuebingen
Classification: Likely benign. Last evaluated: 2026-07-01. Review status: criteria provided, single submitter. Criteria: CeGaT Center For Human Genetics Tuebingen Variant Classification Criteria Version 2. Collection method: clinical testing. Allele origin: germline. Affected: yes. Observed: 11 variant alleles.
Comment: ATM: BP1, BP4, BS1

Labcorp Genetics (formerly Invitae), Labcorp
Classification: Benign for Ataxia-telangiectasia syndrome. Last evaluated: 2026-02-03. Review status: criteria provided, single submitter. Criteria: Invitae Variant Classification Sherloc (09022015). Collection method: clinical testing. Allele origin: germline.

PreventionGenetics, part of Exact Sciences
Classification: Likely benign for ATM-related condition. Last evaluated: 2025-09-27. Review status: criteria provided, single submitter. Criteria: ACMG Guidelines, 2015. Collection method: clinical testing. Allele origin: germline.
Comment: This variant is classified as likely benign based on ACMG/AMP sequence variant interpretation guidelines (Richards et al. 2015 PMID: 25741868, with internal and published modifications).

Laboratorio de I+D, Fundación Centro Médico de Asturias
Classification: Likely benign for Hereditary breast ovarian cancer syndrome. Last evaluated: 2025-07-07. Review status: criteria provided, single submitter. Criteria: ACMG Guidelines, 2015. Collection method: clinical testing. Allele origin: germline.
Comment: BP4_Moderate+BP1+PM2_Supporting+PP1

Mayo Clinic Laboratories, Mayo Clinic
Classification: Uncertain significance. Last evaluated: 2025-06-24. Review status: criteria provided, single submitter. Criteria: ACMG Guidelines, 2015. Collection method: clinical testing. Allele origin: germline. Observed: 4 variant alleles.
Comment: BP4_moderate

ARUP Laboratories, Molecular Genetics and Genomics, ARUP Laboratories
Classification: Likely benign. Last evaluated: 2025-05-20. Review status: criteria provided, single submitter. Criteria: ARUP Molecular Germline Variant Investigation Process 2024. Collection method: clinical testing. Allele origin: germline.

Molecular Diagnostics Laboratory, Catalan Institute of Oncology
Classification: Likely benign for Hereditary cancer-predisposing syndrome. Last evaluated: 2025-04-29. Review status: criteria provided, single submitter. Criteria: ClinGen ACMG Specifications ATM V1.1.0. Collection method: clinical testing. Allele origin: germline.
Comment: BS1, BP4 c.4709T>C, located in exon 31 of the ATM gene, is predicted to result in the substitution of Val by Ala at codon 1570, p.(Val1570Ala).The variant allele was found in 86/117848 alleles, with a filter allele frequency of 0.061% at 95% confidence, within the European (non-Finnish) population in the gnomAD v2.1.1 database (non-cancer data set) (BS1). The SpliceAI algorithm predicts no significant impact on splicing and the REVEL meta-predictor score for this variant (0.152) suggests that it does not affect the protein function (BP4). To our knowledge, neither relevant clinical data nor well-stablished functional studies have been reported for this variant. This variant has been reported in ClinVar (6x likely benign, 13x likely benign, 12x uncertain significance) and LOVD (8x likely benign, 2x NA, 1x likely pathogenic) databases. Based on currently available information, the variant c.4709T>C should be considered a likely benign variant.

Center for Genomic Medicine, Rigshospitalet, Copenhagen University Hospital
Classification: Likely benign. Last evaluated: 2025-03-04. Review status: criteria provided, single submitter. Criteria: ACMG Guidelines, 2015. Collection method: clinical testing. Allele origin: germline.

Laboratory of Genetics, Children's Clinical University Hospital Latvia
Classification: Likely benign. Last evaluated: 2025-02-16. Review status: criteria provided, single submitter. Criteria: ACMG Guidelines, 2015. Collection method: clinical testing. Allele origin: germline. Affected: yes.

Dasa
Classification: Likely benign for ATM-related cancer predisposition. Last evaluated: 2024-12-13. Review status: criteria provided, single submitter. Criteria: DASA Assertion Criteria. Collection method: clinical testing. Allele origin: germline.
Comment: NM_000051.4(ATM):c.4709T>C (p.Val1570Ala) is a missense variant that results in the substitution of valine with alanine. Population frequency is inconsistent with a disease-causing role for this variant. Computational prediction algorithms are consistent with a benign effect. Therefore, based on the currently available evidence, this variant is classified as likely benign.

Blueprint Genetics
Classification: Likely benign. Last evaluated: 2024-10-30. Review status: criteria provided, single submitter. Criteria: ACMG Guidelines, 2015. Collection method: clinical testing. Allele origin: germline.

Color Diagnostics, LLC DBA Color Health
Classification: Likely benign for Hereditary cancer-predisposing syndrome. Last evaluated: 2024-09-18. Review status: criteria provided, single submitter. Criteria: ACMG Guidelines, 2015. Collection method: clinical testing. Allele origin: germline.

Myriad Genetics, Inc.
Classification: Likely benign for Familial cancer of breast. Last evaluated: 2024-05-20. Review status: criteria provided, single submitter. Criteria: Myriad Autosomal Dominant, Autosomal Recessive and X-Linked Classification Criteria (2023). Collection method: clinical testing. Allele origin: unknown.
Comment: This variant is considered likely benign. This variant is strongly associated with less severe personal and family histories of cancer, typical for individuals without pathogenic variants in this gene [PMID: 25085752].

Institute for Biomarker Research, Medical Diagnostic Laboratories, L.L.C.
Classification: Benign for Hereditary cancer-predisposing syndrome. Last evaluated: 2024-05-07. Review status: criteria provided, single submitter. Criteria: ACMG Guidelines, 2015. Collection method: clinical testing. Allele origin: germline.

Athena Diagnostics
Classification: Likely benign. Last evaluated: 2024-02-06. Review status: criteria provided, single submitter. Criteria: Athena Diagnostics Criteria. Collection method: clinical testing. Allele origin: unknown.

Mendelics
Classification: Benign for Ataxia-telangiectasia syndrome. Last evaluated: 2023-08-22. Review status: criteria provided, single submitter. Criteria: Mendelics Assertion Criteria 2019. Collection method: clinical testing. Allele origin: germline.

CHEO Genetics Diagnostic Laboratory, Children's Hospital of Eastern Ontario
Classification: Uncertain significance for Breast and/or ovarian cancer. Last evaluated: 2023-05-05. Review status: criteria provided, single submitter. Criteria: ACMG Guidelines, 2015. Collection method: clinical testing. Allele origin: germline.

NM_000051.4(ATM):c.4709T>C (p.Val1570Ala)

Gene: ATM (ATM serine/threonine kinase; plus strand). Cytogenetic location: 11q22.3.
Variant type: single nucleotide variant.
Coding change: c.4709T>C on transcript NM_000051.4 (MANE Select); coding-DNA position 4709, T replaced by C.
Protein change: p.Val1570Ala; replaces valine 1570 with alanine.
Molecular consequence: missense variant.
Genome position (GRCh38, 1-based): chr11:108,293,410, T>C. VCF-style: chr11-108293410-T-C. GRCh37 (hg19) VCF-style: chr11-108164137-T-C.
Other names: p.V1570A:GTT>GCT; c.4709T>C, p.Val1570Ala (NM_001351834.2); short protein forms V1570A.
Identifiers: ClinVar variation 127394 (VCV000127394.115), dbSNP rs140856217, ClinGen allele CA286861.
Genomic context (GRCh38, chr11:108,293,410, plus strand): 5'-AGGATAATGAAAACCTCTATATCACGATTAAGCTTTTAGATCCTTTTCCTGACCATGTTG[T>C]TTTTAAGGATTTGCGTATTACTCAGCAAAAAATCAAATACAGTAGAGGACCCTTTTCACT-3'
Protein context (NP_000042.3, residues 1560-1580): KLLDPFPDHV[Val1570Ala]FKDLRITQQK